The following is an entry in ClinVar:

ClinVar aggregate classification (germline): Likely benign (0 of 4 stars; one submission).

Conditions:
SETBP1-related disorder. Also called: SETBP1-related condition; SETBP1-related disorders.

Submission:

PreventionGenetics, part of Exact Sciences
Classification: Likely benign for SETBP1-related condition. Last evaluated: 2020-04-01. Review status: no assertion criteria provided. Collection method: clinical testing. Allele origin: germline.
Comment: This variant is classified as likely benign based on ACMG/AMP sequence variant interpretation guidelines (Richards et al. 2015 PMID: 25741868, with internal and published modifications).

NM_015559.3(SETBP1):c.4596A>C (p.Pro1532=)

Gene: SETBP1 (SET binding protein 1; plus strand). Cytogenetic location: 18q12.3.
Variant type: single nucleotide variant.
Coding change: c.4596A>C on transcript NM_015559.3 (MANE Select); coding-DNA position 4596, A replaced by C.
Protein change: p.Pro1532=; no amino-acid change (proline 1532 retained).
Molecular consequence: synonymous variant.
Genome position (GRCh38, 1-based): chr18:45,063,503, A>C. VCF-style: chr18-45063503-A-C. GRCh37 (hg19) VCF-style: chr18-42643468-A-C.
Other names: c.4596A>C, p.Pro1532= (NM_001379141.1, NM_001379142.1); c.4425A>C, p.Pro1475= (NM_001410862.1).
Identifiers: ClinVar variation 3037149 (VCV003037149.2), dbSNP rs1239743393, ClinGen allele CA503995991.